The following is an entry in ClinVar:

ClinVar aggregate classification (germline): Uncertain significance (1 of 4 stars; one submission).

Conditions:
Adenylosuccinate lyase deficiency (ADSLD). Also called: ADSL DEFICIENCY. Identifiers: Orphanet 46, MedGen C0268126, MONDO:0007068, OMIM 103050.

gnomAD v4.1: 9 of 1,614,188 alleles (0.00056%); highest among the groups gnomAD compares: Non-Finnish European, 0.00076%; no homozygotes.

Submission:

Labcorp Genetics (formerly Invitae), Labcorp
Classification: Uncertain significance for Adenylosuccinate lyase deficiency. Last evaluated: 2025-10-29. Review status: criteria provided, single submitter. Criteria: Invitae Variant Classification Sherloc (09022015). Collection method: clinical testing. Allele origin: germline.
Comment: This sequence change replaces arginine, which is basic and polar, with histidine, which is basic and polar, at codon 171 of the ADSL protein (p.Arg171His). This variant is present in population databases (rs760629234, gnomAD 0.0009%). This variant has not been reported in the literature in individuals affected with ADSL-related conditions. ClinVar contains an entry for this variant (Variation ID: 3730816). Invitae Evidence Modeling of protein sequence and biophysical properties (such as structural, functional, and spatial information, amino acid conservation, physicochemical variation, residue mobility, and thermodynamic stability) indicates that this missense variant is expected to disrupt ADSL protein function with a positive predictive value of 80%. In summary, the available evidence is currently insufficient to determine the role of this variant in disease. Therefore, it has been classified as a Variant of Uncertain Significance.

NM_000026.4(ADSL):c.512G>A (p.Arg171His)

Gene: ADSL (adenylosuccinate lyase; plus strand). Cytogenetic location: 22q13.1.
Variant type: single nucleotide variant.
Coding change: c.512G>A on transcript NM_000026.4 (MANE Select); coding-DNA position 512, G replaced by A.
Protein change: p.Arg171His; replaces arginine 171 with histidine.
Molecular consequence: missense variant. On other transcripts: non-coding transcript variant (1).
Genome position (GRCh38, 1-based): chr22:40,358,893, G>A. VCF-style: chr22-40358893-G-A. GRCh37 (hg19) VCF-style: chr22-40754897-G-A.
Other names: c.512G>A, p.Arg171His (NM_001123378.3, NM_001363840.3, NM_001410812.1 and 1 more transcripts); c.320G>A, p.Arg107His (NM_001317923.2); c.467G>A, p.Arg156His (NM_001410814.1); short protein forms R156H, R171H, R107H.
Identifiers: ClinVar variation 3730816 (VCV003730816.2).